The following is an entry in ClinVar:

ClinVar aggregate classification (germline): Uncertain significance (1 of 4 stars; one submission).

Conditions:
Hereditary breast ovarian cancer syndrome. Also called: Hereditary breast and ovarian cancer; BRCA1- and BRCA2-Associated Hereditary Breast and Ovarian Cancer; Hereditary breast and ovarian cancer syndrome; Hereditary breast and ovarian cancer syndrome (HBOC); Breast and ovarian cancer; Hereditary breast and/or ovarian cancer syndrome. Identifiers: Orphanet 145, MedGen C0677776, MeSH D061325, MONDO:0003582. Disease mechanism: loss of function.

Submission:

Labcorp Genetics (formerly Invitae), Labcorp
Classification: Uncertain significance for Hereditary breast ovarian cancer syndrome. Last evaluated: 2024-02-11. Review status: criteria provided, single submitter. Criteria: Invitae Variant Classification Sherloc (09022015). Collection method: clinical testing. Allele origin: germline.
Comment: This sequence change falls in intron 1 of the BRCA2 gene. It does not directly change the encoded amino acid sequence of the BRCA2 protein. It affects a nucleotide within the consensus splice site. This variant is not present in population databases (gnomAD no frequency). This variant has not been reported in the literature in individuals affected with BRCA2-related conditions. Variants that disrupt the consensus splice site are a relatively common cause of aberrant splicing (PMID: 17576681, 9536098). RNA analysis provides insufficient evidence to determine the effect of this variant on BRCA2 splicing (Invitae). In summary, the available evidence is currently insufficient to determine the role of this variant in disease. Therefore, it has been classified as a Variant of Uncertain Significance.

Literature cited by the submitters: PubMed 17576681; PubMed 9536098.

NM_000059.4(BRCA2):c.-40+4_-40+6del

Genes: BRCA2 (BRCA2 DNA repair associated; plus strand), LOC106721785 (BRCA2 promoter/silencer region; plus strand). Cytogenetic location: 13q13.1.
Variant type: Deletion.
Coding change: c.-40+4_-40+6del on transcript NM_000059.4 (MANE Select); bases 4 to 6 of the intron after 40 bases upstream of the start codon, 3 bases deleted (AGT; older notation c.-40+4_-40+6delAGT).
Molecular consequence: intron variant.
Genome position (GRCh38, 1-based): chr13:32,315,671-32,315,673, AGT deleted; deleting any 3 consecutive bases within chr13:32,315,670-32,315,673 gives the same sequence; the c. name uses the placement nearest the transcript's 3' end. VCF-style (leftmost placement, unchanged base first): chr13-32315669-TTAG-T. GRCh37 (hg19) VCF-style: chr13-32889806-TTAG-T.
Other names: c.-40+4_-40+6del (NM_001406720.1, NM_001406719.1, NM_001406721.1); c.-303+4_-303+6del (NM_001406722.1).
Identifiers: ClinVar variation 2829868 (VCV002829868.3), dbSNP rs2548508889, ClinGen allele CA2739277492.
Genomic context (GRCh38, chr13:32,315,669, plus strand): 5'-GACCGGCGCGGTTTTTGTCAGCTTACTCCGGCCAAAAAAGAACTGCACCTCTGGAGCGGG[TTAG>T]TGGTGGTGGTAGTGGGTTGGGACGAGCGCGTCTTCCGCAGTCCCAGTCCAGCGTGGCGGG-3'